The following is an entry in ClinVar:

NM_001711.6(BGN):c.859A>G (p.Asn287Asp)

Gene: BGN (biglycan; plus strand). Cytogenetic location: Xq28.
Variant type: single nucleotide variant.
Coding change: c.859A>G on transcript NM_001711.6 (MANE Select); coding-DNA position 859, A replaced by G.
Protein change: p.Asn287Asp; replaces asparagine 287 with aspartic acid.
Molecular consequence: missense variant.
Genome position (GRCh38, 1-based): chrX:153,507,135, A>G. VCF-style: chrX-153507135-A-G. GRCh37 (hg19) VCF-style: chrX-152772593-A-G.
Other names: short protein forms N287D.
Identifiers: ClinVar variation 1423740 (VCV001423740.6), dbSNP rs2124239962, ClinGen allele CA415071496.
Genomic context (GRCh38, chrX:153,507,135, plus strand): 5'-ATGATCGAGAACGGGAGCCTGAGCTTCCTGCCCACCCTCCGGGAGCTCCACTTGGACAAC[A>G]ACAAGTTGGCCAGGGTGCCCTCAGGGCTCCCAGACCTCAAGCTCCTCCAGGTGAGAGCTG-3'
Protein context (NP_001702.1, residues 277-297): PTLRELHLDN[Asn287Asp]KLARVPSGLP

ClinVar aggregate classification (germline): Uncertain significance (1 of 4 stars; one submission).

Submission:

Labcorp Genetics (formerly Invitae), Labcorp
Classification: Uncertain significance. Last evaluated: 2021-05-19. Review status: criteria provided, single submitter. Criteria: Invitae Variant Classification Sherloc (09022015). Collection method: clinical testing. Allele origin: germline.
Comment: Algorithms developed to predict the effect of missense changes on protein structure and function are either unavailable or do not agree on the potential impact of this missense change (SIFT: "Not Available"; PolyPhen-2: "Probably Damaging"; Align-GVGD: "Not Available"). This variant has not been reported in the literature in individuals with BGN-related conditions. This variant is not present in population databases (ExAC no frequency). This sequence change replaces asparagine with aspartic acid at codon 287 of the BGN protein (p.Asn287Asp). The asparagine residue is highly conserved and there is a small physicochemical difference between asparagine and aspartic acid. In summary, the available evidence is currently insufficient to determine the role of this variant in disease. Therefore, it has been classified as a Variant of Uncertain Significance.